The following is an entry in ClinVar:

ClinVar aggregate classification (germline): Uncertain significance (1 of 4 stars; one submission).

Conditions:
Hereditary spastic paraplegia 73. Also called: Spastic paraplegia 73, autosomal dominant. Identifiers: Orphanet 444099, MedGen C5568981, MONDO:0014568, OMIM 616282.

Submission:

3billion
Classification: Uncertain significance for Hereditary spastic paraplegia 73. Last evaluated: 2024-11-11. Review status: criteria provided, single submitter. Criteria: ACMG Guidelines, 2015. Collection method: clinical testing. Allele origin: germline. Affected: yes.
Comment: The variant is observed at an extremely low frequency in the gnomAD v4.1.0 dataset (total allele frequency: 0.036%). Predicted Consequence/Location: Canonical splice site: predicted to alter splicing and result in a loss or disruption of normal protein function. Multiple pathogenic loss-of-function variants are reported downstream of the variant. In silico tools predict the variant to alter splicing and produce an abnormal transcript [SpliceAI: 0.99 (spliceogenicity >=0.2, non-spliceogenicity <0.1)]. Therefore, this variant is classified as VUS according to the recommendation of ACMG/AMP guideline.

NM_001199753.2(CPT1C):c.2133+1G>C

Gene: CPT1C (carnitine palmitoyltransferase 1C; plus strand). Cytogenetic location: 19q13.33.
Variant type: single nucleotide variant.
Coding change: c.2133+1G>C on transcript NM_001199753.2 (MANE Select); the canonical splice donor site of the intron after coding-DNA position 2133, G replaced by C.
Molecular consequence: splice donor variant.
Genome position (GRCh38, 1-based): chr19:49,712,850, G>C. VCF-style: chr19-49712850-G-C. GRCh37 (hg19) VCF-style: chr19-50216107-G-C.
Other names: c.2100+1G>C (NM_001378485.1, NM_001136052.3); c.2133+1G>C (NM_001378483.1, NM_001199752.3, NM_152359.3 and 1 more transcripts); c.1998+1G>C (NM_001378486.1, NM_001378488.1); c.2199+1G>C (NM_001378482.1); c.1965+1G>C (NM_001378487.1).
Identifiers: ClinVar variation 4292494 (VCV004292494.1).